The following is an entry in ClinVar:

ClinVar aggregate classification (germline): Likely benign. Review status: criteria provided, multiple submitters, no conflicts (2 of 4 stars). 3 submissions from 3 submitters: Likely benign (3). Last evaluated 2026-05-13.

Conditions:
Progressive sclerosing poliodystrophy (MTDPS4A). Also called: ALPERS DIFFUSE DEGENERATION OF CEREBRAL GRAY MATTER WITH HEPATIC CIRRHOSIS; Alpers-Huttenlocher Syndrome; ALPERS PROGRESSIVE INFANTILE POLIODYSTROPHY; NEURONAL DEGENERATION OF CHILDHOOD WITH LIVER DISEASE, PROGRESSIVE; Alpers-Huttenlocher Syndrome (AHS); Mitochondrial DNA depletion syndrome 4A (Alpers type). Identifiers: Orphanet 726, MedGen C0205710, MONDO:0008758, OMIM 203700.
POLG-related disorder. Also called: POLG-Related Spectrum Disorders; POLG-related condition; POLG-Related Disorders. Identifiers: MedGen C4763519.

Allele frequency attached by ClinVar (database versions not stated): gnomAD exomes 0.00003 and 0.00004; ExAC 0.00004.
gnomAD v4.1: 60 of 1,613,160 alleles (0.0037%); highest among the groups gnomAD compares: Middle Eastern, 0.049%; no homozygotes.

Submissions (3):

PreventionGenetics, part of Exact Sciences
Classification: Likely benign for POLG-related condition. Last evaluated: 2026-05-13. Review status: criteria provided, single submitter. Criteria: ACMG Guidelines, 2015. Collection method: clinical testing. Allele origin: germline.
Comment: This variant is classified as likely benign based on ACMG/AMP sequence variant interpretation guidelines (Richards et al. 2015 PMID: 25741868, with internal and published modifications).

Labcorp Genetics (formerly Invitae), Labcorp
Classification: Likely benign for Progressive sclerosing poliodystrophy. Last evaluated: 2025-11-25. Review status: criteria provided, single submitter. Criteria: Invitae Variant Classification Sherloc (09022015). Collection method: clinical testing. Allele origin: germline.

CeGaT Center for Human Genetics Tuebingen
Classification: Likely benign. Last evaluated: 2024-01-01. Review status: criteria provided, single submitter. Criteria: CeGaT Center For Human Genetics Tuebingen Variant Classification Criteria Version 2. Collection method: clinical testing. Allele origin: germline. Affected: yes. Observed: 1 variant allele.
Comment: POLG: BP4, BP7

NM_002693.3(POLG):c.3651G>A (p.Ala1217=)

Genes: POLG (DNA polymerase gamma, catalytic subunit; minus strand), FANCI (FA complementation group I; plus strand). Cytogenetic location: 15q26.1.
Variant type: single nucleotide variant.
Coding change: c.3651G>A on transcript NM_002693.3 (MANE Select); coding-DNA position 3651, G replaced by A.
Protein change: p.Ala1217=; no amino-acid change (alanine 1217 retained).
Molecular consequence: synonymous variant. On other transcripts: 3 prime UTR variant (4).
Genome position (GRCh38, 1-based): chr15:89,316,820, C>T on the plus strand (G>A on the coding strand, the complement: POLG is on the minus strand). VCF-style: chr15-89316820-C-T. GRCh37 (hg19) VCF-style: chr15-89860051-C-T.
Other names: c.3651G>A, p.Ala1217= (NM_001126131.2); c.*361C>T (NM_001113378.2, NM_001376910.1, NM_001376911.1 and 1 more transcripts).
Identifiers: ClinVar variation 1620162 (VCV001620162.34), dbSNP rs775048930, ClinGen allele CA7724044.